The following is an entry in ClinVar:

NM_022095.4(ZNF335):c.103G>T (p.Val35Leu)

Gene: ZNF335 (zinc finger protein 335; minus strand). Cytogenetic location: 20q13.12.
Variant type: single nucleotide variant.
Coding change: c.103G>T on transcript NM_022095.4 (MANE Select); coding-DNA position 103, G replaced by T.
Protein change: p.Val35Leu; replaces valine 35 with leucine.
Molecular consequence: missense variant.
Genome position (GRCh38, 1-based): chr20:45,971,308, C>A on the plus strand (G>T on the coding strand, the complement: ZNF335 is on the minus strand). VCF-style: chr20-45971308-C-A. GRCh37 (hg19) VCF-style: chr20-44599947-C-A.
Other names: short protein forms V35L.
Identifiers: ClinVar variation 709516 (VCV000709516.17), dbSNP rs114356103, ClinGen allele CA9886217.
Genomic context (GRCh38, chr20:45,971,308, plus strand): 5'-CAGAGTCATCGGCCTCTGCCTGCCCCGGGGCGGCCGCGGCGTCGCTGCTGTCGGCGGACA[C>A]GGCTTCTGAGGTGCCCACACCCAGGCCGCTCTCAGAGGGCTCCTCGGGCCGGCCAGGCCC-3'
Protein context (NP_071378.1, residues 25-45): SGLGVGTSEA[Val35Leu]SADSSDAAAA

ClinVar aggregate classification (germline): Benign/Likely benign. Review status: criteria provided, multiple submitters, no conflicts (2 of 4 stars). 6 submissions from 6 submitters: Benign (2); Likely benign (3). 1 of the submissions does not count toward it. Last evaluated 2026-01-05.

Conditions:
ZNF335-related disorder. Also called: ZNF335-related condition.
Microcephalic primordial dwarfism due to ZNF335 deficiency. Also called: Primary autosomal recessive microcephaly 10. Identifiers: Orphanet 329228, MedGen C3554499, MONDO:0014043, OMIM 615095.

Allele frequency attached by ClinVar (database versions not stated): gnomAD exomes 0.00065; ExAC 0.00108; ESP Exome Variant Server 0.00287; 1000 Genomes Project 0.00300; gnomAD 0.00300; 1000 Genomes Project 30x 0.00328; TOPMed 0.00331.
gnomAD v4.1: 857 of 1,593,652 alleles (0.054%); highest among the groups gnomAD compares: African/African-American, 0.99%; 4 homozygotes.

Submissions (6):

Labcorp Genetics (formerly Invitae), Labcorp
Classification: Benign. Last evaluated: 2026-01-05. Review status: criteria provided, single submitter. Criteria: Invitae Variant Classification Sherloc (09022015). Collection method: clinical testing. Allele origin: germline.

Blueprint Genetics
Classification: Likely benign. Last evaluated: 2024-06-27. Review status: criteria provided, single submitter. Criteria: ACMG Guidelines, 2015. Collection method: clinical testing. Allele origin: germline.

GeneDx
Classification: Likely benign. Last evaluated: 2022-08-17. Review status: criteria provided, single submitter. Criteria: GeneDx Variant Classification Process June 2021. Collection method: clinical testing. Allele origin: germline. Affected: yes.
Comment: See Variant Classification Assertion Criteria.

Genome-Nilou Lab
Classification: Benign for Microcephalic primordial dwarfism due to ZNF335 deficiency. Last evaluated: 2021-12-05. Review status: criteria provided, single submitter. Criteria: ACMG Guidelines, 2015. Collection method: clinical testing. Allele origin: germline. Affected: no.

Breakthrough Genomics
Classification: Likely benign. Review status: criteria provided, single submitter. Criteria: ACMG Guidelines, 2015. Collection method: not provided. Allele origin: germline. Inheritance: Autosomal recessive inheritance. Affected: yes.

PreventionGenetics, part of Exact Sciences
Classification: Likely benign for ZNF335-related condition. Last evaluated: 2019-03-11. Review status: no assertion criteria provided. Collection method: clinical testing. Allele origin: germline. Not counted in ClinVar's aggregate classification.
Comment: This variant is classified as likely benign based on ACMG/AMP sequence variant interpretation guidelines (Richards et al. 2015 PMID: 25741868, with internal and published modifications).